The following is an entry in ClinVar:

NM_000548.5(TSC2):c.4849+3A>G

Gene: TSC2 (TSC complex subunit 2; plus strand). Cytogenetic location: 16p13.3.
Variant type: single nucleotide variant.
Coding change: c.4849+3A>G on transcript NM_000548.5 (MANE Select); 3 bases into the intron after coding-DNA position 4849, A replaced by G.
Molecular consequence: intron variant.
Genome position (GRCh38, 1-based): chr16:2,086,382, A>G. VCF-style: chr16-2086382-A-G. GRCh37 (hg19) VCF-style: chr16-2136383-A-G.
Other names: c.4780+3A>G (NM_001114382.3); c.4720+3A>G (NM_021055.3, NM_001370405.1); c.4651+3A>G (NM_001363528.2); c.4717+3A>G (NM_001370404.1); c.4648+3A>G (NM_001077183.3); c.4540+3A>G (NM_001318827.2); c.4117+3A>G (NM_001318831.2); c.4504+3A>G (NM_001318829.2); and 1 more.
Identifiers: ClinVar variation 382536 (VCV000382536.8), dbSNP rs1057521378, ClinGen allele CA16608071.
Genomic context (GRCh38, chr16:2,086,382, plus strand): 5'-GACGTGTGTGGTGAGGACGGCCAGTTCACCTACTGCTGGCACGATGACATCATGCAAGGT[A>G]CGGCCTGGCGCCTACCCGCTCCTGCTGCCCCAGGCCTCAGGGCACGGCTCCCATCCAGTC-3'

ClinVar aggregate classification (germline): Conflicting classifications of pathogenicity. Review status: criteria provided, conflicting classifications (1 of 4 stars). 5 submissions from 5 submitters: Uncertain significance (4); Likely benign (1). Last evaluated 2024-11-14.

Conditions:
Hereditary cancer-predisposing syndrome. Also called: Hereditary neoplastic syndrome; Tumor predisposition; Neoplastic Syndromes, Hereditary; Hereditary Cancer Syndrome. Identifiers: Orphanet 140162, MedGen C0027672, MeSH D009386, MONDO:0015356.
Tuberous sclerosis syndrome (TSC). Also called: Tuberous sclerosis; Tuberous Sclerosis Complex. Identifiers: Orphanet 805, MedGen C0041341, MONDO:0001734.
Tuberous sclerosis 2 (TSC2). Identifiers: Orphanet 805, MedGen C1860707, MONDO:0013199, OMIM 613254.

gnomAD v4.1: 1 of 1,612,108 alleles (0.000062%); highest among the groups gnomAD compares: Non-Finnish European, 0.000085%; no homozygotes.

Submissions (5):

Ambry Genetics
Classification: Uncertain significance for Hereditary cancer-predisposing syndrome. Last evaluated: 2024-11-14. Review status: criteria provided, single submitter. Criteria: Ambry Variant Classification Scheme 2023. Collection method: clinical testing. Allele origin: germline.
Comment: The c.4849+3A>G intronic variant results from an A to G substitution 3 nucleotides after coding exon 36 in the TSC2 gene. This nucleotide position is not well conserved in available vertebrate species. In silico splice site analysis predicts that this alteration will not have any significant effect on splicing. Based on the available evidence, the clinical significance of this variant remains unclear.

Revvity Omics, Revvity
Classification: Uncertain significance for Tuberous sclerosis 2. Last evaluated: 2024-09-10. Review status: criteria provided, single submitter. Criteria: ACMG Guidelines, 2015. Collection method: clinical testing. Allele origin: germline.

All of Us Research Program, National Institutes of Health
Classification: Uncertain significance for Tuberous sclerosis syndrome. Last evaluated: 2023-12-13. Review status: criteria provided, single submitter. Criteria: ACMG Guidelines, 2015. Collection method: clinical testing. Allele origin: germline. Inheritance: Autosomal dominant inheritance. Observed: 1 variant allele, 1 heterozygote.
Comment: This variant causes an A to G nucleotide substitution at the +3 position of intron 37/41 of the TSC2 gene. To our knowledge, RNA studies have not been reported for this variant. This variant has not been reported in individuals affected with TSC2-related disorders in the literature. This variant has not been identified in the general population by the Genome Aggregation Database (gnomAD). The available evidence is insufficient to determine the role of this variant in disease conclusively. Therefore, this variant is classified as a Variant of Uncertain Significance.

This study involves interpretation of variants in research participants for the purpose of population health screening. Participant phenotype was not available at the time of variant classification. Additional details can be found in publication PMID: 35346344, PMCID: PMC8962531

Labcorp Genetics (formerly Invitae), Labcorp
Classification: Uncertain significance for Tuberous sclerosis 2. Last evaluated: 2022-08-17. Review status: criteria provided, single submitter. Criteria: Invitae Variant Classification Sherloc (09022015). Collection method: clinical testing. Allele origin: germline.
Comment: ClinVar contains an entry for this variant (Variation ID: 382536). Variants that disrupt the consensus splice site are a relatively common cause of aberrant splicing (PMID: 17576681, 9536098). Algorithms developed to predict the effect of sequence changes on RNA splicing suggest that this variant is not likely to affect RNA splicing. This sequence change falls in intron 37 of the TSC2 gene. It does not directly change the encoded amino acid sequence of the TSC2 protein. It affects a nucleotide within the consensus splice site. This variant is not present in population databases (gnomAD no frequency). This variant has not been reported in the literature in individuals affected with TSC2-related conditions. In summary, the available evidence is currently insufficient to determine the role of this variant in disease. Therefore, it has been classified as a Variant of Uncertain Significance.

GeneDx
Classification: Likely benign. Last evaluated: 2016-01-04. Review status: criteria provided, single submitter. Criteria: GeneDx Variant Classification (06012015). Collection method: clinical testing. Allele origin: germline. Affected: yes.
Comment: This variant is considered likely benign or benign based on one or more of the following criteria: it is a conservative change, it occurs at a poorly conserved position in the protein, it is predicted to be benign by multiple in silico algorithms, and/or has population frequency not consistent with disease.

Literature cited by the submitters: PubMed 17576681 (cited by Labcorp Genetics (formerly Invitae), Labcorp); PubMed 9536098 (cited by Labcorp Genetics (formerly Invitae), Labcorp).